The following is an entry in ClinVar:

NC_000007.13:g.(?_40277214)_(40277345_?)del

Gene: SUGCT (succinyl-CoA:glutarate-CoA transferase; plus strand). Cytogenetic location: 7p14.1.
Variant type: Deletion.
Identifiers: ClinVar variation 1450753 (VCV001450753.5).

ClinVar aggregate classification (germline): Uncertain significance (1 of 4 stars; one submission).

Submission:

Labcorp Genetics (formerly Invitae), Labcorp
Classification: Uncertain significance. Last evaluated: 2022-06-13. Review status: criteria provided, single submitter. Criteria: Invitae Variant Classification Sherloc (09022015). Collection method: clinical testing. Allele origin: germline.
Comment: In summary, the available evidence is currently insufficient to determine the role of this variant in disease. Therefore, it has been classified as a Variant of Uncertain Significance. This variant has not been reported in the literature in individuals affected with SUGCT-related conditions. This variant is a gross deletion of the genomic region encompassing exon(s) 7 of the SUGCT gene. This deletion is out-of-frame, and is expected to create a premature translational stop signal and result in an absent or disrupted protein product. However, the current clinical and genetic evidence is not sufficient to establish whether loss-of-function variants in SUGCT cause disease.